The following is an entry in ClinVar:

ClinVar aggregate classification (germline): Pathogenic (1 of 4 stars; one submission).

Conditions:
Phosphoribosylformylglycineamidine synthase deficiency.

Submission:

Research Unit for Rare Diseases, 1st Faculty of Medicine, Charles University in Prague
Classification: Pathogenic for Phosphoribosylformylglycineamidine synthase deficiency. Last evaluated: 2025-02-05. Review status: criteria provided, single submitter. Criteria: ACMG Guidelines, 2015. Collection method: clinical testing. Allele origin: maternal, not applicable. Inheritance: Autosomal recessive inheritance. Affected: yes. Observed: 1 compound heterozygote. Functional consequence: splicing_variant.
Comment: The variant causes alternative splicing between intron 6 and exon 7, resulting in the in frame deletion NM_012393.3:c.681_689del, NP_036525.1:p.(Glu228_Ser230del). The variant is not reported in the Genome Aggregation Database (gnomAD) v2.1.1. and has been evaluated according to the ACMG guidelines as pathogenic (PP1, PS3, PM2, PM2).

Literature cited by the submitters: PubMed 40421664.

NM_012393.3(PFAS):c.681-1G>A

Gene: PFAS (phosphoribosylformylglycinamidine synthase; plus strand). Cytogenetic location: 17p13.1.
Variant type: single nucleotide variant.
Coding change: c.681-1G>A on transcript NM_012393.3 (MANE Select); the canonical splice acceptor site of the intron before coding-DNA position 681, G replaced by A.
Molecular consequence: splice acceptor variant.
Genome position (GRCh38, 1-based): chr17:8,256,266, G>A. VCF-style: chr17-8256266-G-A. GRCh37 (hg19) VCF-style: chr17-8159584-G-A.
Other names: NM_012393.3:c.681_689del.
Identifiers: ClinVar variation 3767280 (VCV003767280.1).